The following is an entry in ClinVar:

NM_000069.3(CACNA1S):c.1083G>C (p.Glu361Asp)

Gene: CACNA1S (calcium voltage-gated channel subunit alpha1 S; minus strand). Cytogenetic location: 1q32.1.
Variant type: single nucleotide variant.
Coding change: c.1083G>C on transcript NM_000069.3 (MANE Select); coding-DNA position 1083, G replaced by C.
Protein change: p.Glu361Asp; replaces glutamic acid 361 with aspartic acid.
Molecular consequence: missense variant.
Genome position (GRCh38, 1-based): chr1:201,085,503, C>G on the plus strand (G>C on the coding strand, the complement: CACNA1S is on the minus strand). VCF-style: chr1-201085503-C-G. GRCh37 (hg19) VCF-style: chr1-201054631-C-G.
Other names: short protein forms E361D.
Identifiers: ClinVar variation 3072256 (VCV003072256.1), dbSNP rs1572057088, ClinGen allele CA344129475.

ClinVar aggregate classification (germline): Uncertain significance (1 of 4 stars; one submission).

Conditions:
Malignant hyperthermia, susceptibility to, 5 (MHS5). Also called: CACNA1S-Related Malignant Hyperthermia Susceptibility. Identifiers: Orphanet 423, MedGen C1866077, MONDO:0011163, OMIM 601887.

Submission:

All of Us Research Program, National Institutes of Health
Classification: Uncertain significance for Malignant hyperthermia, susceptibility to, 5. Last evaluated: 2023-06-26. Review status: criteria provided, single submitter. Criteria: ACMG Guidelines, 2015. Collection method: clinical testing. Allele origin: germline. Inheritance: Autosomal dominant inheritance. Observed: 1 variant allele, 1 heterozygote.
Comment: This missense variant replaces glutamic acid with aspartic acid at codon 361 of the CACNA1S protein. Computational prediction is inconclusive regarding the impact of this variant on protein structure and function (internally defined REVEL score threshold 0.5 < inconclusive < 0.7, PMID: 27666373). To our knowledge, functional studies have not been reported for this variant. This variant has not been reported in individuals affected with CACNA1S-related disorders in the literature. This variant has not been identified in the general population by the Genome Aggregation Database (gnomAD). The available evidence is insufficient to determine the role of this variant in disease conclusively. Therefore, this variant is classified as a Variant of Uncertain Significance.

This study involves interpretation of variants in research participants for the purpose of population health screening. Participant phenotype was not available at the time of variant classification. Additional details can be found in publication PMID: 35346344, PMCID: PMC8962531